The following is an entry in ClinVar:

NM_001134831.2(AHI1):c.358_370del (p.Asp120fs)

Gene: AHI1 (Abelson helper integration site 1; minus strand). Cytogenetic location: 6q23.3.
Variant type: Deletion.
Coding change: c.358_370del on transcript NM_001134831.2 (MANE Select); coding-DNA positions 358 to 370, 13 bases deleted (GACAAACAAGGAA).
Protein change: p.Asp120fs; shifts the reading frame from aspartic acid 120.
Molecular consequence: frameshift variant.
Genome position (GRCh38, 1-based): chr6:135,466,193-135,466,205, TTCCTTGTTTGTC deleted on the plus strand (GACAAACAAGGAA on the coding strand, the reverse complement: AHI1 is on the minus strand); deleting any 13 consecutive bases within chr6:135,466,193-135,466,210 gives the same sequence; the c. name uses the placement nearest the transcript's 3' end. VCF-style (leftmost placement, unchanged base first): chr6-135466192-TTTCCTTGTTTGTC-T. GRCh37 (hg19) VCF-style: chr6-135787330-TTTCCTTGTTTGTC-T.
Other names: c.358_370del, p.Asp120fs (NM_001134830.2, NM_001134832.2, NM_001350503.2 and 2 more transcripts); short protein forms D120fs.
Identifiers: ClinVar variation 5014894 (VCV005014894.1).

ClinVar aggregate classification (germline): Pathogenic (1 of 4 stars; one submission).

Conditions:
Joubert syndrome 3 (JBTS3). Also called: AHI1-related Ciliopathy. Identifiers: Orphanet 220493, MedGen C1837713, MONDO:0012078, OMIM 608629.

Submission:

Myriad Genetics, Inc.
Classification: Pathogenic for Joubert syndrome 3. Last evaluated: 2025-08-19. Review status: criteria provided, single submitter. Criteria: Myriad Autosomal Dominant, Autosomal Recessive and X-Linked Classification Criteria (2023). Collection method: clinical testing. Allele origin: unknown.
Comment: NM_001134831.1(AHI1):c.358_370del13(D120Sfs*6) is expected to be pathogenic in the context of Joubert syndrome, AHI1-related. This variant is predicted to lead to an abnormal or absent protein product due to the creation of a premature termination codon in AHI1, a gene where loss-of-function variants are known to be pathogenic. Please note: this variant was assessed in the context of healthy population screening.